The following is an entry in ClinVar:

NM_006947.4(SRP72):c.*780C>T

Gene: SRP72 (signal recognition particle 72; plus strand). Cytogenetic location: 4q12.
Variant type: single nucleotide variant.
Coding change: c.*780C>T on transcript NM_006947.4 (MANE Select); 780 bases downstream of the stop codon, C replaced by T.
Molecular consequence: 3 prime UTR variant. On other transcripts: non-coding transcript variant (1).
Genome position (GRCh38, 1-based): chr4:56,502,641, C>T. VCF-style: chr4-56502641-C-T. GRCh37 (hg19) VCF-style: chr4-57368807-C-T.
Other names: c.*780C>T (NM_001267722.2).
Identifiers: ClinVar variation 349156 (VCV000349156.6), dbSNP rs10518, ClinGen allele CA10618936.

ClinVar aggregate classification (germline): Benign. Review status: criteria provided, multiple submitters, no conflicts (2 of 4 stars). 2 submissions from 2 submitters: Benign (2). Last evaluated 2018-01-13.

Conditions:
Autosomal dominant aplasia and myelodysplasia. Also called: Bone marrow failure syndrome 1. Identifiers: Orphanet 314399, MedGen C3808553, MONDO:0013851, OMIM 614675.

Allele frequency attached by ClinVar (database versions not stated): gnomAD 0.35479 and 0.36171; TOPMed 0.36804; 1000 Genomes Project 30x 0.47517; 1000 Genomes Project 0.47624.

Submissions (2):

Illumina Laboratory Services, Illumina
Classification: Benign for Autosomal dominant aplasia and myelodysplasia. Last evaluated: 2018-01-13. Review status: criteria provided, single submitter. Criteria: ICSL Variant Classification Criteria 13 December 2019. Collection method: clinical testing. Allele origin: germline.
Comment: This variant was observed in the ICSL laboratory as part of a predisposition screen in an ostensibly healthy population. It had not been previously curated by ICSL or reported in the Human Gene Mutation Database (HGMD: prior to June 1st, 2018), and was therefore a candidate for classification through an automated scoring system. Utilizing variant allele frequency, disease prevalence and penetrance estimates, and inheritance mode, an automated score was calculated to assess if this variant is too frequent to cause the disease. Based on the score and internal cut-off values, a variant classified as benign is not then subjected to further curation. The score for this variant resulted in a classification of benign for this disease.

Breakthrough Genomics
Classification: Benign. Review status: criteria provided, single submitter. Criteria: ACMG Guidelines, 2015. Collection method: not provided. Allele origin: germline. Inheritance: Autosomal dominant inheritance. Affected: yes.